The following is an entry in ClinVar:

NM_001042492.3(NF1):c.3653A>C (p.Gln1218Pro)

Gene: NF1 (neurofibromin 1; plus strand). Cytogenetic location: 17q11.2.
Variant type: single nucleotide variant.
Coding change: c.3653A>C on transcript NM_001042492.3 (MANE Select); coding-DNA position 3653, A replaced by C.
Protein change: p.Gln1218Pro; replaces glutamine 1218 with proline.
Molecular consequence: missense variant.
Genome position (GRCh38, 1-based): chr17:31,233,158, A>C. VCF-style: chr17-31233158-A-C. GRCh37 (hg19) VCF-style: chr17-29560176-A-C.
Other names: c.3653A>C, p.Gln1218Pro (NM_000267.4); short protein forms Q1218P.
Identifiers: ClinVar variation 1691208 (VCV001691208.5), dbSNP rs876659541, ClinGen allele CA398990478.

ClinVar aggregate classification (germline): Uncertain significance. Review status: criteria provided, multiple submitters, no conflicts (2 of 4 stars). 2 submissions from 2 submitters: Uncertain significance (2). Last evaluated 2025-05-17.

Conditions:
Neurofibromatosis, type 1 (NF1). Also called: Neurofibromatosis, type I; NEUROFIBROMATOSIS, TYPE I, SOMATIC; VON RECKLINGHAUSEN DISEASE; Peripheral type neurofibromatosis. Identifiers: Orphanet 636, MedGen C0027831, MONDO:0018975, OMIM 162200. Disease mechanism: loss of function.

Submissions (2):

Labcorp Genetics (formerly Invitae), Labcorp
Classification: Uncertain significance for Neurofibromatosis, type 1. Last evaluated: 2025-05-17. Review status: criteria provided, single submitter. Criteria: Invitae Variant Classification Sherloc (09022015). Collection method: clinical testing. Allele origin: germline.
Comment: This sequence change replaces glutamine, which is neutral and polar, with proline, which is neutral and non-polar, at codon 1218 of the NF1 protein (p.Gln1218Pro). This variant is not present in population databases (gnomAD no frequency). This variant has not been reported in the literature in individuals affected with NF1-related conditions. ClinVar contains an entry for this variant (Variation ID: 1691208). Invitae Evidence Modeling of protein sequence and biophysical properties (such as structural, functional, and spatial information, amino acid conservation, physicochemical variation, residue mobility, and thermodynamic stability) indicates that this missense variant is expected to disrupt NF1 protein function with a positive predictive value of 95%. In summary, the available evidence is currently insufficient to determine the role of this variant in disease. Therefore, it has been classified as a Variant of Uncertain Significance.

GeneDx
Classification: Uncertain significance. Last evaluated: 2021-12-06. Review status: criteria provided, single submitter. Criteria: GeneDx Variant Classification Process June 2021. Collection method: clinical testing. Allele origin: germline. Affected: yes.
Comment: Not observed at significant frequency in large population cohorts (gnomAD); In silico analysis supports that this missense variant has a deleterious effect on protein structure/function; Has not been previously published as pathogenic or benign to our knowledge; This variant is associated with the following publications: (PMID: 25486365, 22807134)